The following is an entry in ClinVar:

ClinVar aggregate classification (germline): Likely pathogenic. Review status: criteria provided, multiple submitters, no conflicts (2 of 4 stars). 3 submissions from 3 submitters: Likely pathogenic (3). Last evaluated 2026-03-18.

Conditions:
Platelet-type bleeding disorder 15 (BDPLT15). Also called: MACROTHROMBOCYTOPENIA, AUTOSOMAL DOMINANT, ACTN1-RELATED. Identifiers: Orphanet 140957, MedGen C3554663, MONDO:0014078, OMIM 615193.
ACTN1-related disorder. Also called: ACTN1-related condition.
Macrothrombocytopenia. Identifiers: MedGen C2751260, HP:0040185.

Allele frequency attached by ClinVar (database versions not stated): gnomAD exomes below 0.00001.
gnomAD v4.1: 1 of 1,614,096 alleles (0.000062%); highest among the groups gnomAD compares: Non-Finnish European, 0.000085%; no homozygotes.

Submissions (3):

Victorian Clinical Genetics Services, Murdoch Childrens Research Institute
Classification: Likely pathogenic for Platelet-type bleeding disorder 15. Last evaluated: 2026-03-18. Review status: criteria provided, single submitter. Criteria: ACMG Guidelines, 2015. Collection method: clinical testing. Allele origin: germline. Affected: yes.
Comment: This variant is classified as Likely pathogenic. Evidence in support of pathogenic classification: Variant is present in gnomAD <0.001 for a dominant condition (v4: 1 heterozygote(s), 0 homozygote(s)); This variant has moderate previous evidence of pathogenicity in unrelated individuals. This variant has been reported in three affected individuals in the literature, including two with limited phenotypic information provided (PMIDs: 25949529, 31064749). Missense variant predicted to be damaging by in silico tool(s) or highly conserved with a major amino acid change. Additional information: Variant is predicted to result in a missense amino acid change from Leu to Pro; This variant is heterozygous; This gene is associated with autosomal dominant disease; No published evidence of segregation with disease has been identified for this variant; No published functional evidence has been identified for this variant; No comparable missense variants have previous evidence for pathogenicity; Variant is located in the annotated spectrin repeat domain (DECIPHER); Loss of function (LoF) and gain of function (GoF) are reported mechanisms of disease in this gene and are associated with platelet-type bleeding disorder 15 (MIM#615193). LoF and GoF have been reported for missense variants (PMIDs: 23434115, 30351444, 26879394, 31365757); Inheritance information for this variant is not currently available in this individual.

Blueprint Genetics
Classification: Likely pathogenic for ACTN1-related disorders. Last evaluated: 2021-09-02. Review status: criteria provided, single submitter. Criteria: ACMG Guidelines, 2015. Collection method: clinical testing. Allele origin: germline. Affected: yes. Observed: 1 variant allele.

NIHR Bioresource Rare Diseases, University of Cambridge
Classification: Likely pathogenic for Macrothrombocytopenia. Last evaluated: 2019-02-01. Review status: criteria provided, single submitter. Criteria: ACMG Guidelines, 2015. Collection method: research. Allele origin: unknown. Affected: yes. Observed: 2 heterozygotes. Study: ThromboGenomics.

Literature cited by the submitters: PubMed 31365757 (cited by Victorian Clinical Genetics Services, Murdoch Childrens Research Institute); PubMed 31064749 (cited by Victorian Clinical Genetics Services, Murdoch Childrens Research Institute and NIHR Bioresource Rare Diseases, University of Cambridge); PubMed 25949529 (cited by Victorian Clinical Genetics Services, Murdoch Childrens Research Institute); PubMed 23434115 (cited by Victorian Clinical Genetics Services, Murdoch Childrens Research Institute); PubMed 26879394 (cited by Victorian Clinical Genetics Services, Murdoch Childrens Research Institute); PubMed 30351444 (cited by Victorian Clinical Genetics Services, Murdoch Childrens Research Institute).

NM_001130004.2(ACTN1):c.1640T>C (p.Leu547Pro)

Gene: ACTN1 (actinin alpha 1; minus strand). Cytogenetic location: 14q24.1.
Variant type: single nucleotide variant.
Coding change: c.1640T>C on transcript NM_001130004.2 (MANE Select); coding-DNA position 1640, T replaced by C.
Protein change: p.Leu547Pro; replaces leucine 547 with proline.
Molecular consequence: missense variant.
Genome position (GRCh38, 1-based): chr14:68,883,051, A>G on the plus strand (T>C on the coding strand, the complement: ACTN1 is on the minus strand). VCF-style: chr14-68883051-A-G. GRCh37 (hg19) VCF-style: chr14-69349768-A-G.
Other names: c.1640T>C, p.Leu547Pro (NM_001102.4, NM_001130005.2); short protein forms L547P.
Identifiers: ClinVar variation 627171 (VCV000627171.6), dbSNP rs1594756590, ClinGen allele CA390183661.